The following is an entry in ClinVar:

ClinVar aggregate classification (germline): Benign. Review status: criteria provided, multiple submitters, no conflicts (2 of 4 stars). 7 submissions from 6 submitters: Benign (7). Last evaluated 2026-01-25.

Conditions:
Keratosis follicularis (DAR). Also called: Darier disease; Darier's disease. Identifiers: Orphanet 218, MedGen C0022595, MONDO:0007417, OMIM 124200.
Acrokeratosis verruciformis of Hopf (AKV). Also called: Acrokeratosis verruciformis; HOPF DISEASE. Identifiers: Orphanet 79151, MedGen C0265971, MONDO:0007048, OMIM 101900.

Allele frequency attached by ClinVar (database versions not stated): 1000 Genomes Project 30x 0.02295; 1000 Genomes Project 0.02436; TOPMed 0.04333; gnomAD 0.04683 and 0.05127; ESP Exome Variant Server 0.04959; gnomAD exomes 0.05273 and 0.06560; ExAC 0.05537.
gnomAD v4.1: 102,391 of 1,614,176 alleles (6.3%); highest among the groups gnomAD compares: Non-Finnish European, 7.3%; 3,631 homozygotes.

Submissions (7):

Labcorp Genetics (formerly Invitae), Labcorp
Classification: Benign. Last evaluated: 2026-01-25. Review status: criteria provided, single submitter. Criteria: Invitae Variant Classification Sherloc (09022015). Collection method: clinical testing. Allele origin: germline.

Blueprint Genetics
Classification: Benign. Last evaluated: 2024-11-27. Review status: criteria provided, single submitter. Criteria: ACMG Guidelines, 2015. Collection method: clinical testing. Allele origin: germline.

Genome-Nilou Lab
Classification: Benign for Acrokeratosis verruciformis of Hopf. Last evaluated: 2021-12-05. Review status: criteria provided, single submitter. Criteria: ACMG Guidelines, 2015. Collection method: clinical testing. Allele origin: germline. Affected: no.

Genome-Nilou Lab
Classification: Benign for Keratosis follicularis. Last evaluated: 2021-12-05. Review status: criteria provided, single submitter. Criteria: ACMG Guidelines, 2015. Collection method: clinical testing. Allele origin: germline. Affected: no.

Illumina Laboratory Services, Illumina
Classification: Benign for Keratosis follicularis. Last evaluated: 2018-03-06. Review status: criteria provided, single submitter. Criteria: ICSL Variant Classification Criteria 13 December 2019. Collection method: clinical testing. Allele origin: germline.
Comment: This variant was observed in the ICSL laboratory as part of a predisposition screen in an ostensibly healthy population. It had not been previously curated by ICSL or reported in the Human Gene Mutation Database (HGMD: prior to June 1st, 2018), and was therefore a candidate for classification through an automated scoring system. Utilizing variant allele frequency, disease prevalence and penetrance estimates, and inheritance mode, an automated score was calculated to assess if this variant is too frequent to cause the disease. Based on the score and internal cut-off values, a variant classified as benign is not then subjected to further curation. The score for this variant resulted in a classification of benign for this disease.

GeneDx
Classification: Benign. Last evaluated: 2015-03-03. Review status: criteria provided, single submitter. Criteria: GeneDx Variant Classification Process June 2021. Collection method: clinical testing. Allele origin: germline. Affected: yes.
Comment: This variant is associated with the following publications: (PMID: 17439322, 20687374)

Breakthrough Genomics
Classification: Benign. Review status: criteria provided, single submitter. Criteria: ACMG Guidelines, 2015. Collection method: not provided. Allele origin: germline. Inheritance: Autosomal dominant inheritance. Affected: yes.

NM_170665.4(ATP2A2):c.2172G>A (p.Ala724=)

Gene: ATP2A2 (ATPase sarcoplasmic/endoplasmic reticulum Ca2+ transporting 2; plus strand). Cytogenetic location: 12q24.11.
Variant type: single nucleotide variant.
Coding change: c.2172G>A on transcript NM_170665.4 (MANE Select); coding-DNA position 2172, G replaced by A.
Protein change: p.Ala724=; no amino-acid change (alanine 724 retained).
Molecular consequence: synonymous variant.
Genome position (GRCh38, 1-based): chr12:110,342,302, G>A. VCF-style: chr12-110342302-G-A. GRCh37 (hg19) VCF-style: chr12-110780107-G-A.
Other names: c.2172G>A, p.Ala724= (NM_001681.4).
Identifiers: ClinVar variation 307178 (VCV000307178.17), dbSNP rs56243033, ClinGen allele CA6784060.